The following is an entry in ClinVar:

ClinVar aggregate classification (germline): Uncertain significance (1 of 4 stars; one submission).

Conditions:
Medium-chain acyl-coenzyme A dehydrogenase deficiency (ACADMD). Also called: ACADM DEFICIENCY; MCADH DEFICIENCY; Medium chain acyl-CoA dehydrogenase deficiency; MCAD Deficiency; MCADD; CARNITINE DEFICIENCY SECONDARY TO MEDIUM-CHAIN ACYL-CoA DEHYDROGENASE DEFICIENCY. Identifiers: Orphanet 42, MedGen C0220710, MONDO:0008721, OMIM 201450.

Submission:

Labcorp Genetics (formerly Invitae), Labcorp
Classification: Uncertain significance for Medium-chain acyl-coenzyme A dehydrogenase deficiency. Last evaluated: 2022-04-11. Review status: criteria provided, single submitter. Criteria: Invitae Variant Classification Sherloc (09022015). Collection method: clinical testing. Allele origin: germline.
Comment: This sequence change replaces glycine, which is neutral and non-polar, with tryptophan, which is neutral and slightly polar, at codon 118 of the ACADM protein (p.Gly118Trp). This variant is not present in population databases (gnomAD no frequency). This variant has not been reported in the literature in individuals affected with ACADM-related conditions. Advanced modeling of protein sequence and biophysical properties (such as structural, functional, and spatial information, amino acid conservation, physicochemical variation, residue mobility, and thermodynamic stability) performed at Invitae indicates that this missense variant is expected to disrupt ACADM protein function. In summary, the available evidence is currently insufficient to determine the role of this variant in disease. Therefore, it has been classified as a Variant of Uncertain Significance.

NM_000016.6(ACADM):c.352G>T (p.Gly118Trp)

Gene: ACADM (acyl-CoA dehydrogenase medium chain; plus strand). Cytogenetic location: 1p31.1.
Variant type: single nucleotide variant.
Coding change: c.352G>T on transcript NM_000016.6 (MANE Select); coding-DNA position 352, G replaced by T.
Protein change: p.Gly118Trp; replaces glycine 118 with tryptophan.
Molecular consequence: missense variant. On other transcripts: intron variant (1).
Genome position (GRCh38, 1-based): chr1:75,733,593, G>T. VCF-style: chr1-75733593-G-T. GRCh37 (hg19) VCF-style: chr1-76199278-G-T.
Other names: c.364G>T, p.Gly122Trp (NM_001127328.3); c.244G>T, p.Gly82Trp (NM_001286042.2); c.451G>T, p.Gly151Trp (NM_001286043.2); c.-100+671G>T (NM_001286044.2); short protein forms G122W, G151W, G82W, G118W.
Identifiers: ClinVar variation 1927441 (VCV001927441.2), dbSNP rs2525578416, ClinGen allele CA340812402.